The following is an entry in ClinVar:

ClinVar aggregate classification (germline): Uncertain significance. Review status: criteria provided, multiple submitters, no conflicts (2 of 4 stars). 5 submissions from 5 submitters: Uncertain significance (4). 1 of the submissions does not count toward it. Last evaluated 2025-10-24.

Conditions:
Progressive muscular dystrophy. Identifiers: Orphanet 206644, MedGen C4551827, MONDO:0016106.
Cardiomyopathy (CMYO). Also called: Cardiomyopathies. Identifiers: Orphanet 167848, MedGen C0878544, MONDO:0004994, HP:0001638. Inheritance: Various modes of inheritance.
Dystrophin deficiency.
Duchenne muscular dystrophy (DMD). Also called: MUSCULAR DYSTROPHY, PSEUDOHYPERTROPHIC PROGRESSIVE, DUCHENNE TYPE; Duchenne Muscular Dystrophy (DMD). Identifiers: Orphanet 98896, MedGen C0013264, MONDO:0010679, OMIM 310200.
Becker muscular dystrophy (BMD). Also called: Becker Muscular Dystrophy (BMD); MUSCULAR DYSTROPHY, PSEUDOHYPERTROPHIC PROGRESSIVE, BECKER TYPE. Identifiers: Orphanet 98895, MedGen C0917713, MONDO:0010311, OMIM 300376.

Allele frequency attached by ClinVar (database versions not stated): gnomAD exomes 0.00001; TOPMed 0.00001; ExAC 0.00003.

Submissions (5):

Mayo Clinic Laboratories, Mayo Clinic
Classification: Uncertain significance. Last evaluated: 2025-10-24. Review status: criteria provided, single submitter. Criteria: ACMG Guidelines, 2015. Collection method: clinical testing. Allele origin: germline. Observed: 1 variant allele.
Comment: BP4_moderate, PM2_supporting

Women's Health and Genetics/Laboratory Corporation of America, LabCorp
Classification: Uncertain significance. Last evaluated: 2025-01-06. Review status: criteria provided, single submitter. Criteria: LabCorp Variant Classification Summary - May 2015. Collection method: clinical testing. Allele origin: germline.
Comment: Variant summary: DMD c.7993A>G (p.Asn2665Asp) results in a conservative amino acid change located in the SPEC domain (IPR018159) of the encoded protein sequence. Four of five in-silico tools predict a benign effect of the variant on protein function. The variant allele was found at a frequency of 1.1e-05 in 183202 control chromosomes. The available data on variant occurrences in the general population are insufficient to allow any conclusion about variant significance. c.7993A>G has been reported in the literature in individual(s) affected with clinical features of Dystrophinopathies (Lee_2024). These report(s) do not provide unequivocal conclusions about association of the variant with Dystrophinopathies. To our knowledge, no experimental evidence demonstrating an impact on protein function has been reported. The following publication have been ascertained in the context of this evaluation (PMID: 38818036). ClinVar contains an entry for this variant (Variation ID: 1052902). Based on the evidence outlined above, the variant was classified as uncertain significance.

Molecular Genetics, Royal Melbourne Hospital
Classification: Uncertain significance for Progressive muscular dystrophy. Last evaluated: 2023-07-07. Review status: criteria provided, single submitter. Criteria: ACMG Guidelines, 2015. Collection method: clinical testing. Allele origin: germline. Inheritance: X-linked dominant inheritance.
Comment: This sequence change in DMD is predicted to replace asparagine with aspartic acid at codon 2665, p.(Asn2665Asp). The asparagine residue is moderately conserved (75/86 vertebrates, UCSC), and is located in the spectrin 21 repeat. There is a small physicochemical difference between asparagine and aspartic acid. The highest population minor allele frequency in the population database gnomAD v2.1 is 0.01% (2/13,853 alleles) in the East Asian population and there are no hemizygotes present in gnomAD v2.1 and v3.1. To our knowledge, this variant has not been previously reported in the relevant scientific literature. Computational evidence predicts a benign effect for the missense substitution (REVEL = 0.071). Based on the classification scheme RMH Modified ACMG/AMP Guidelines v1.6.1, this variant is classified as a VARIANT OF UNCERTAIN SIGNIFICANCE. Following criteria are met: PM2_Supporting, BP4.

Labcorp Genetics (formerly Invitae), Labcorp
Classification: Uncertain significance for Duchenne muscular dystrophy. Last evaluated: 2022-07-04. Review status: criteria provided, single submitter. Criteria: Invitae Variant Classification Sherloc (09022015). Collection method: clinical testing. Allele origin: germline.
Comment: This sequence change replaces asparagine, which is neutral and polar, with aspartic acid, which is acidic and polar, at codon 2665 of the DMD protein (p.Asn2665Asp). This variant is present in population databases (rs767634310, gnomAD 0.02%). This variant has not been reported in the literature in individuals affected with DMD-related conditions. ClinVar contains an entry for this variant (Variation ID: 1052902). Algorithms developed to predict the effect of missense changes on protein structure and function are either unavailable or do not agree on the potential impact of this missense change (SIFT: "Tolerated"; PolyPhen-2: "Possibly Damaging"; Align-GVGD: "Class C0"). In summary, the available evidence is currently insufficient to determine the role of this variant in disease. Therefore, it has been classified as a Variant of Uncertain Significance.

Natera, Inc.
Classification: Uncertain significance for Becker muscular dystrophy; Cardiomyopathy; Duchenne muscular dystrophy; Dystrophin deficiency. Last evaluated: 2018-05-26. Review status: no assertion criteria provided. Collection method: clinical testing. Allele origin: germline. Not counted in ClinVar's aggregate classification.

Literature cited by the submitters: PubMed 19937601 (cited by Mayo Clinic Laboratories, Mayo Clinic); PubMed 38818036 (cited by Mayo Clinic Laboratories, Mayo Clinic and Women's Health and Genetics/Laboratory Corporation of America, LabCorp).

NM_004006.3(DMD):c.7993A>G (p.Asn2665Asp)

Gene: DMD (dystrophin; minus strand). Cytogenetic location: Xp21.1.
Variant type: single nucleotide variant.
Coding change: c.7993A>G on transcript NM_004006.3 (MANE Select); coding-DNA position 7993, A replaced by G.
Protein change: p.Asn2665Asp; replaces asparagine 2665 with aspartic acid.
Molecular consequence: missense variant.
Genome position (GRCh38, 1-based): chrX:31,658,024, T>C on the plus strand (A>G on the coding strand, the complement: DMD is on the minus strand). VCF-style: chrX-31658024-T-C. GRCh37 (hg19) VCF-style: chrX-31676141-T-C.
Other names: p.Asn2665Asp; c.7969A>G, p.Asn2657Asp (NM_000109.4); c.7981A>G, p.Asn2661Asp (NM_004009.3); c.7624A>G, p.Asn2542Asp (NM_004010.3); c.3970A>G, p.Asn1324Asp (NM_004011.4); c.3961A>G, p.Asn1321Asp (NM_004012.4); c.613A>G, p.Asn205Asp (NM_004013.3, NM_004020.4, NM_004021.3 and 2 more transcripts); c.7993A>G (NM_004006.2); short protein forms N1321D, N1324D, N205D, N2542D, N2657D, N2661D, N2665D.
Identifiers: ClinVar variation 1052902 (VCV001052902.11), dbSNP rs767634310, ClinGen allele CA10378174.
Genomic context (GRCh38, chrX:31,658,024, plus strand): 5'-AGTTTTAGAAATAATGTAATTCATACCTTTTATGAATGCTTCTCCAAGAGGCATTGATAT[T>C]CTCTGTTATCATGTGGACTTTTCTGGTATCATCTGCAGAATAATCCCGGAGAAGTTTCAG-3'
Protein context (NP_003997.2, residues 2655-2675): DTRKVHMITE[Asn2665Asp]INASWRSIHK